The following is an entry in ClinVar:

NM_003107.3(SOX4):c.303dup (p.Asp102fs)

Gene: SOX4 (SRY-box transcription factor 4; plus strand). Cytogenetic location: 6p22.3.
Variant type: Duplication.
Coding change: c.303dup on transcript NM_003107.3 (MANE Select); coding-DNA position 303, one base duplicated (A; older notation c.303dupA).
Protein change: p.Asp102fs; shifts the reading frame from aspartic acid 102.
Molecular consequence: frameshift variant.
Genome position (GRCh38, 1-based): chr6:21,594,837, A duplicated; the last of 3 consecutive A bases (chr6:21,594,835-21,594,837); duplicating any one gives the same sequence. VCF-style (leftmost placement, unchanged base first): chr6-21594834-C-CA. GRCh37 (hg19) VCF-style: chr6-21595065-C-CA.
Other names: short protein forms D102fs.
Identifiers: ClinVar variation 4884254 (VCV004884254.2).
Genomic context (GRCh38, chr6:21,594,834, plus strand): 5'-GTCGCCCGACATGCACAACGCCGAGATCTCCAAGCGGCTGGGCAAACGCTGGAAGCTGCT[C>CA]AAAGACAGCGACAAGATCCCTTTCATTCGAGAGGCGGAGCGGCTGCGCCTCAAGCACATG-3'

ClinVar aggregate classification (germline): Likely pathogenic (1 of 4 stars; one submission).

Submission:

Dasa
Classification: Likely pathogenic. Last evaluated: 2026-02-04. Review status: criteria provided, single submitter. Criteria: DASA Assertion Criteria. Collection method: clinical testing. Allele origin: germline.
Comment: NM_003107.3(SOX4):c.303dup (p.Asp102Argfs*21) is a frameshift variant in SOX4 predicted to alter the reading frame and introduce a premature termination codon and is predicted to result in an absent or altered protein product. Loss of function is an established disease mechanism for SOX4-associated disorders. De novo occurrence has been reported in an individual with SOX4-related disorders. Also, this variant is absent from population databases. Based on the currently available evidence, this variant is classified as likely pathogenic.